The following is an entry in ClinVar:

ClinVar aggregate classification (germline): Pathogenic (1 of 4 stars; one submission).

Conditions:
Juvenile polyposis syndrome (JPS). Identifiers: Orphanet 2929, MedGen C0345893, MONDO:0017380, OMIM 174900.

Submission:

Labcorp Genetics (formerly Invitae), Labcorp
Classification: Pathogenic for Juvenile polyposis syndrome. Last evaluated: 2023-05-08. Review status: criteria provided, single submitter. Criteria: Invitae Variant Classification Sherloc (09022015). Collection method: clinical testing. Allele origin: germline.
Comment: This variant disrupts a region of the BMPR1A protein in which other variant(s) (p.Arg494*) have been determined to be pathogenic (PMID: 23399955; Invitae). This suggests that this is a clinically significant region of the protein, and that variants that disrupt it are likely to be disease-causing. This variant has not been reported in the literature in individuals affected with BMPR1A-related conditions. This variant is a gross deletion of the genomic region encompassing exon(s) 9-13 of the BMPR1A gene, which includes the termination codon. This deletion extends beyond the assayed region for this gene and therefore may encompass additional genes. While this deletion is not anticipated to lead to nonsense mediated decay, it is expected to alter mRNA translation or result in a truncated protein product. For these reasons, this variant has been classified as Pathogenic.

Literature cited by the submitters: PubMed 23399955.

NC_000010.10:g.(?_88676881)_(88683476_?)del

Gene: BMPR1A (bone morphogenetic protein receptor type 1A; plus strand). Cytogenetic location: 10q23.2.
Variant type: Deletion.
Identifiers: ClinVar variation 2425067 (VCV002425067.5).